The following is an entry in ClinVar:

ClinVar aggregate classification (germline): Uncertain significance. Review status: criteria provided, multiple submitters, no conflicts (2 of 4 stars). 2 submissions from 2 submitters: Uncertain significance (2). Last evaluated 2022-06-27.

Conditions:
Bethlem myopathy 1A. Also called: Bethlem Muscular Dystrophy; MYOPATHY, BENIGN CONGENITAL, WITH CONTRACTURES; Bethlem myopathy 1. Identifiers: Orphanet 610, MedGen CN029274, MONDO:0024530, OMIM 158810.

Allele frequency attached by ClinVar (database versions not stated): gnomAD exomes below 0.00001.
gnomAD v4.1: 2 of 1,614,072 alleles (0.00012%); highest among the groups gnomAD compares: Non-Finnish European, 0.00017%; no homozygotes.

Submissions (2):

Labcorp Genetics (formerly Invitae), Labcorp
Classification: Uncertain significance for Bethlem myopathy 1A. Last evaluated: 2022-06-27. Review status: criteria provided, single submitter. Criteria: Invitae Variant Classification Sherloc (09022015). Collection method: clinical testing. Allele origin: germline.
Comment: This sequence change replaces tyrosine, which is neutral and polar, with cysteine, which is neutral and slightly polar, at codon 63 of the COL6A3 protein (p.Tyr63Cys). In summary, the available evidence is currently insufficient to determine the role of this variant in disease. Therefore, it has been classified as a Variant of Uncertain Significance. Advanced modeling of protein sequence and biophysical properties (such as structural, functional, and spatial information, amino acid conservation, physicochemical variation, residue mobility, and thermodynamic stability) performed at Invitae indicates that this missense variant is not expected to disrupt COL6A3 protein function. ClinVar contains an entry for this variant (Variation ID: 285449). This variant has not been reported in the literature in individuals affected with COL6A3-related conditions. This variant is not present in population databases (gnomAD no frequency).

Eurofins Ntd Llc (ga)
Classification: Uncertain significance. Last evaluated: 2016-01-06. Review status: criteria provided, single submitter. Criteria: EGL Classification Definitions 2015. Collection method: clinical testing. Allele origin: germline. Observed: 1 variant allele, 1 heterozygote.

NM_004369.4(COL6A3):c.188A>G (p.Tyr63Cys)

Gene: COL6A3 (collagen type VI alpha 3 chain; minus strand). Cytogenetic location: 2q37.3.
Variant type: single nucleotide variant.
Coding change: c.188A>G on transcript NM_004369.4 (MANE Select); coding-DNA position 188, A replaced by G.
Protein change: p.Tyr63Cys; replaces tyrosine 63 with cysteine.
Molecular consequence: missense variant. On other transcripts: intron variant (4).
Genome position (GRCh38, 1-based): chr2:237,395,108, T>C on the plus strand (A>G on the coding strand, the complement: COL6A3 is on the minus strand). VCF-style: chr2-237395108-T-C. GRCh37 (hg19) VCF-style: chr2-238303751-T-C.
Other names: c.91+1619A>G (NM_057166.5, NM_057167.4, NM_057164.5 and 1 more transcripts); short protein forms Y63C.
Identifiers: ClinVar variation 285449 (VCV000285449.17), dbSNP rs886043105, ClinGen allele CA10605116.